The following is an entry in ClinVar:

ClinVar aggregate classification (germline): Uncertain significance (1 of 4 stars; one submission).

Conditions:
Long QT syndrome (LQTS). Identifiers: MedGen C0023976, MeSH D008133, MONDO:0002442. Disease mechanism: loss of function. Inheritance: Various modes of inheritance.

Submission:

Labcorp Genetics (formerly Invitae), Labcorp
Classification: Uncertain significance for Long QT syndrome. Last evaluated: 2022-07-15. Review status: criteria provided, single submitter. Criteria: Invitae Variant Classification Sherloc (09022015). Collection method: clinical testing. Allele origin: germline.
Comment: Algorithms developed to predict the effect of missense changes on protein structure and function are either unavailable or do not agree on the potential impact of this missense change (SIFT: "Deleterious"; PolyPhen-2: "Probably Damaging"; Align-GVGD: "Class C0"). This sequence change replaces glycine, which is neutral and non-polar, with arginine, which is basic and polar, at codon 820 of the KCNH2 protein (p.Gly820Arg). This variant is not present in population databases (gnomAD no frequency). This missense change has been observed in individual(s) with long QT syndrome (PMID: 19841300). Experimental studies have shown that this missense change affects KCNH2 function (PMID: 25417810). In summary, the available evidence is currently insufficient to determine the role of this variant in disease. Therefore, it has been classified as a Variant of Uncertain Significance.

Literature cited by the submitters: PubMed 19841300; PubMed 25417810.

NM_000238.4(KCNH2):c.2458G>C (p.Gly820Arg)

Gene: KCNH2 (potassium voltage-gated channel subfamily H member 2; minus strand). Cytogenetic location: 7q36.1.
Variant type: single nucleotide variant.
Coding change: c.2458G>C on transcript NM_000238.4 (MANE Select); coding-DNA position 2458, G replaced by C.
Protein change: p.Gly820Arg; replaces glycine 820 with arginine.
Molecular consequence: missense variant.
Genome position (GRCh38, 1-based): chr7:150,948,990, C>G on the plus strand (G>C on the coding strand, the complement: KCNH2 is on the minus strand). VCF-style: chr7-150948990-C-G. GRCh37 (hg19) VCF-style: chr7-150646078-C-G.
Other names: c.2170G>C, p.Gly724Arg (NM_001406753.1); c.1438G>C, p.Gly480Arg (NM_172057.3); short protein forms G820R, G480R, G724R.
Identifiers: ClinVar variation 1916752 (VCV001916752.5), dbSNP rs199473001, ClinGen allele CA369855209.